The following is an entry in ClinVar:

ClinVar aggregate classification (germline): Likely benign (0 of 4 stars; one submission).

Conditions:
CPT1B-related disorder. Also called: CPT1B-related condition.

Allele frequency attached by ClinVar (database versions not stated): ExAC 0.00068; ESP Exome Variant Server 0.00069; gnomAD 0.00073; 1000 Genomes Project 30x 0.00078; 1000 Genomes Project 0.00080; gnomAD exomes 0.00110.
gnomAD v4.1: 1,726 of 1,612,388 alleles (0.11%); highest among the groups gnomAD compares: Admixed American, 0.27%; 2 homozygotes.

Submission:

PreventionGenetics, part of Exact Sciences
Classification: Likely benign for CPT1B-related condition. Last evaluated: 2022-09-08. Review status: no assertion criteria provided. Collection method: clinical testing. Allele origin: germline.
Comment: This variant is classified as likely benign based on ACMG/AMP sequence variant interpretation guidelines (Richards et al. 2015 PMID: 25741868, with internal and published modifications).

NM_152246.3(CPT1B):c.2028+10G>A

Genes: CHKB-CPT1B (CHKB-CPT1B readthrough (NMD candidate); minus strand), CPT1B (carnitine palmitoyltransferase 1B; minus strand). Cytogenetic location: 22q13.33.
Variant type: single nucleotide variant.
Coding change: c.2028+10G>A on transcript NM_152246.3 (MANE Select); 10 bases into the intron after coding-DNA position 2028, G replaced by A.
Molecular consequence: intron variant.
Genome position (GRCh38, 1-based): chr22:50,570,881, C>T on the plus strand (G>A on the coding strand, the complement: CPT1B is on the minus strand). VCF-style: chr22-50570881-C-T. GRCh37 (hg19) VCF-style: chr22-51009310-C-T.
Other names: c.1926+10G>A (NM_001145134.2); c.2028+10G>A (NM_001145135.2, NM_152245.3, NM_004377.4 and 1 more transcripts).
Identifiers: ClinVar variation 3050154 (VCV003050154.2), dbSNP rs186124477, ClinGen allele CA10322687.